The following is an entry in ClinVar:

ClinVar aggregate classification (germline): Uncertain significance. Review status: criteria provided, multiple submitters, no conflicts (2 of 4 stars). 4 submissions from 4 submitters: Uncertain significance (3). 1 of the submissions does not count toward it. Last evaluated 2025-11-22.

Conditions:
Inborn genetic diseases. Identifiers: MedGen C0950123, MeSH D030342.
ACADVL-related disorder. Also called: ACADVL-related condition.
Very long chain acyl-CoA dehydrogenase deficiency (ACADVLD). Also called: Very Long-Chain Acyl-Coenzyme A Dehydrogenase Deficiency; VLCAD Deficiency. Identifiers: Orphanet 26793, MedGen C3887523, MONDO:0008723, OMIM 201475.

Allele frequency attached by ClinVar (database versions not stated): gnomAD exomes 0.00002; gnomAD 0.00004; TOPMed 0.00012.
gnomAD v4.1: 33 of 1,613,990 alleles (0.002%); highest among the groups gnomAD compares: Admixed American, 0.0083%; no homozygotes.

Submissions (4):

PreventionGenetics, part of Exact Sciences
Classification: Uncertain significance for ACADVL-related condition. Last evaluated: 2025-11-22. Review status: criteria provided, single submitter. Criteria: ACMG Guidelines, 2015. Collection method: clinical testing. Allele origin: germline.
Comment: The ACADVL c.352G>A variant is predicted to result in the amino acid substitution p.Asp118Asn. To our knowledge, this variant has not been reported in the literature. This variant is reported in 0.0015% of alleles in individuals of European (Non-Finnish) descent in gnomAD. At this time, the clinical significance of this variant is uncertain due to the absence of conclusive functional and genetic evidence.

Ambry Genetics
Classification: Uncertain significance for Inborn genetic diseases. Last evaluated: 2024-10-20. Review status: criteria provided, single submitter. Criteria: Ambry Variant Classification Scheme 2023. Collection method: clinical testing. Allele origin: germline.

Labcorp Genetics (formerly Invitae), Labcorp
Classification: Uncertain significance for Very long chain acyl-CoA dehydrogenase deficiency. Last evaluated: 2022-08-23. Review status: criteria provided, single submitter. Criteria: Invitae Variant Classification Sherloc (09022015). Collection method: clinical testing. Allele origin: germline.
Comment: This sequence change replaces aspartic acid, which is acidic and polar, with asparagine, which is neutral and polar, at codon 118 of the ACADVL protein (p.Asp118Asn). This variant is present in population databases (no rsID available, gnomAD 0.002%). This variant has not been reported in the literature in individuals affected with ACADVL-related conditions. ClinVar contains an entry for this variant (Variation ID: 843026). Advanced modeling of protein sequence and biophysical properties (such as structural, functional, and spatial information, amino acid conservation, physicochemical variation, residue mobility, and thermodynamic stability) performed at Invitae indicates that this missense variant is expected to disrupt ACADVL protein function. In summary, the available evidence is currently insufficient to determine the role of this variant in disease. Therefore, it has been classified as a Variant of Uncertain Significance.

Natera, Inc.
Classification: Uncertain significance for Very long chain acyl-CoA dehydrogenase deficiency. Last evaluated: 2020-03-10. Review status: no assertion criteria provided. Collection method: clinical testing. Allele origin: germline. Not counted in ClinVar's aggregate classification.

NM_000018.4(ACADVL):c.352G>A (p.Asp118Asn)

Gene: ACADVL (acyl-CoA dehydrogenase very long chain; plus strand). Cytogenetic location: 17p13.1.
Variant type: single nucleotide variant.
Coding change: c.352G>A on transcript NM_000018.4 (MANE Select); coding-DNA position 352, G replaced by A.
Protein change: p.Asp118Asn; replaces aspartic acid 118 with asparagine.
Molecular consequence: missense variant.
Genome position (GRCh38, 1-based): chr17:7,220,933, G>A. VCF-style: chr17-7220933-G-A. GRCh37 (hg19) VCF-style: chr17-7124252-G-A.
Other names: c.286G>A, p.Asp96Asn (NM_001033859.3); c.421G>A, p.Asp141Asn (NM_001270447.2); c.124G>A, p.Asp42Asn (NM_001270448.2); c.352G>A (NM_000018.2); short protein forms D118N, D141N, D96N, D42N.
Identifiers: ClinVar variation 843026 (VCV000843026.6), dbSNP rs543878973, ClinGen allele CA287435245.